The following is an entry in ClinVar:

NM_000069.3(CACNA1S):c.78del (p.Arg26fs)

Gene: CACNA1S (calcium voltage-gated channel subunit alpha1 S; minus strand). Cytogenetic location: 1q32.1.
Variant type: Deletion.
Coding change: c.78del on transcript NM_000069.3 (MANE Select); coding-DNA position 78, one base deleted (G; older notation c.78delG).
Protein change: p.Arg26fs; shifts the reading frame from arginine 26.
Molecular consequence: frameshift variant.
Genome position (GRCh38, 1-based): chr1:201,112,262, C deleted on the plus strand (G on the coding strand, the reverse complement: CACNA1S is on the minus strand); the first of 2 consecutive C bases (chr1:201,112,262-201,112,263); deleting either gives the same sequence. VCF-style (leftmost placement, unchanged base first): chr1-201112261-GC-G. GRCh37 (hg19) VCF-style: chr1-201081389-GC-G.
Other names: short protein forms R26fs.
Identifiers: ClinVar variation 1356276 (VCV001356276.6), dbSNP rs2102193989, ClinGen allele CA2573131479.

ClinVar aggregate classification (germline): Pathogenic (1 of 4 stars; one submission).

Conditions:
Hypokalemic periodic paralysis, type 1. Also called: Hypokalemic Periodic Paralysis Type 1 (AD); HypoPP. Identifiers: Orphanet 681, MedGen C3714580, MONDO:0042979, OMIM 170400.
Malignant hyperthermia, susceptibility to, 5 (MHS5). Also called: CACNA1S-Related Malignant Hyperthermia Susceptibility. Identifiers: Orphanet 423, MedGen C1866077, MONDO:0011163, OMIM 601887.

Submission:

Labcorp Genetics (formerly Invitae), Labcorp
Classification: Pathogenic for Hypokalemic periodic paralysis, type 1; Malignant hyperthermia, susceptibility to, 5. Last evaluated: 2020-11-15. Review status: criteria provided, single submitter. Criteria: Invitae Variant Classification Sherloc (09022015). Collection method: clinical testing. Allele origin: germline.
Comment: This sequence change creates a premature translational stop signal (p.Arg26Serfs*9) in the CACNA1S gene. It is expected to result in an absent or disrupted protein product. Loss-of-function variants in CACNA1S are known to be pathogenic (PMID: 26247046, 28012042). This variant is not present in population databases (ExAC no frequency). This variant has not been reported in the literature in individuals with CACNA1S-related conditions. For these reasons, this variant has been classified as Pathogenic.

Literature cited by the submitters: PubMed 26247046; PubMed 28012042.